The following is an entry in ClinVar:

ClinVar aggregate classification (germline): Benign/Likely benign. Review status: criteria provided, multiple submitters, no conflicts (2 of 4 stars). 7 submissions from 7 submitters: Benign (1); Likely benign (5). 1 of the submissions does not count toward it. Last evaluated 2026-01-01.

Conditions:
Inborn genetic diseases. Identifiers: MedGen C0950123, MeSH D030342.
PCDH19-related disorder. Also called: PCDH19-related condition.
Developmental and epileptic encephalopathy, 9 (DEE9). Also called: Early infantile epileptic encephalopathy 9; JUBERG-HELLMAN SYNDROME; EPILEPSY, FEMALE-RESTRICTED, WITH MENTAL RETARDATION; PCDH19-Related X-Linked Female-Limited Epilepsy with Mental Retardation. Identifiers: Orphanet 101039, Orphanet 2076, MedGen C1848137, MONDO:0010246, OMIM 300088. Disease mechanism: loss of function.

Allele frequency attached by ClinVar (database versions not stated): ESP Exome Variant Server 0.00049; gnomAD 0.00074; gnomAD exomes 0.00018; ExAC 0.00021; TOPMed 0.00070; 1000 Genomes Project 30x 0.00125; 1000 Genomes Project 0.00106.
gnomAD v4.1: 135 of 1,209,262 alleles (0.011%); highest among the groups gnomAD compares: African/African-American, 0.15%; no homozygotes.

Submissions (7):

CeGaT Center for Human Genetics Tuebingen
Classification: Likely benign. Last evaluated: 2026-01-01. Review status: criteria provided, single submitter. Criteria: CeGaT Center For Human Genetics Tuebingen Variant Classification Criteria Version 2. Collection method: clinical testing. Allele origin: germline. Affected: yes. Observed: 1 variant allele.
Comment: PCDH19: BP4, BS2

Labcorp Genetics (formerly Invitae), Labcorp
Classification: Likely benign for Developmental and epileptic encephalopathy, 9. Last evaluated: 2025-10-27. Review status: criteria provided, single submitter. Criteria: Invitae Variant Classification Sherloc (09022015). Collection method: clinical testing. Allele origin: germline.

Blueprint Genetics
Classification: Likely benign. Last evaluated: 2021-10-28. Review status: criteria provided, single submitter. Criteria: ACMG Guidelines, 2015. Collection method: clinical testing. Allele origin: germline.

GeneDx
Classification: Benign. Last evaluated: 2020-02-24. Review status: criteria provided, single submitter. Criteria: GeneDx Variant Classification Process June 2021. Collection method: clinical testing. Allele origin: germline. Affected: yes.

Ambry Genetics
Classification: Likely benign for Inborn genetic diseases. Last evaluated: 2017-05-26. Review status: criteria provided, single submitter. Criteria: Ambry Variant Classification Scheme 2023. Collection method: clinical testing. Allele origin: germline.

Eurofins Ntd Llc (ga)
Classification: Likely benign. Last evaluated: 2015-06-16. Review status: criteria provided, single submitter. Criteria: EGL Classification Definitions 2015. Collection method: clinical testing. Allele origin: germline. Observed: 2 variant alleles, 2 hemizygotes.

PreventionGenetics, part of Exact Sciences
Classification: Likely benign for PCDH19-related condition. Last evaluated: 2023-07-05. Review status: no assertion criteria provided. Collection method: clinical testing. Allele origin: germline. Not counted in ClinVar's aggregate classification.
Comment: This variant is classified as likely benign based on ACMG/AMP sequence variant interpretation guidelines (Richards et al. 2015 PMID: 25741868, with internal and published modifications).

NM_001184880.2(PCDH19):c.3235C>G (p.Pro1079Ala)

Gene: PCDH19 (protocadherin 19; minus strand). Cytogenetic location: Xq22.1.
Variant type: single nucleotide variant.
Coding change: c.3235C>G on transcript NM_001184880.2 (MANE Select); coding-DNA position 3235, C replaced by G.
Protein change: p.Pro1079Ala; replaces proline 1079 with alanine.
Molecular consequence: missense variant.
Genome position (GRCh38, 1-based): chrX:100,296,489, G>C on the plus strand (C>G on the coding strand, the complement: PCDH19 is on the minus strand). VCF-style: chrX-100296489-G-C. GRCh37 (hg19) VCF-style: chrX-99551487-G-C.
Other names: p.P1032A:CCT>GCT; c.3094C>G, p.Pro1032Ala (NM_001105243.2); c.3091C>G, p.Pro1031Ala (NM_020766.3); short protein forms P1079A, P1032A, P1031A.
Identifiers: ClinVar variation 93674 (VCV000093674.30), dbSNP rs200854927, ClinGen allele CA221629.
Genomic context (GRCh38, chrX:100,296,489, plus strand): 5'-TGACATACTGCTCCAGATCACGGGCTGGGGGAGCCAGGGCAATGGTGTAAGACACGGAAG[G>C]CTTGGTGGGCAGAGAGCTCTTGAGGTGGAGGGGGGAGGTGACAGGGCTAATCGCCTCACA-3'
Protein context (NP_001171809.1, residues 1069-1089): LHLKSSLPTK[Pro1079Ala]SVSYTIALAP